The following is an entry in ClinVar:

ClinVar aggregate classification (germline): Uncertain significance (1 of 4 stars; one submission).

Conditions:
Distal hereditary motor neuropathy type 2. Identifiers: Orphanet 139525, MedGen C3711384, MeSH C580044, MONDO:0015352.

Allele frequency attached by ClinVar (database versions not stated): gnomAD 0.00001.
gnomAD v4.1: 1 of 1,607,582 alleles (0.000062%); highest among the groups gnomAD compares: Non-Finnish European, 0.000085%; no homozygotes.

Submission:

Labcorp Genetics (formerly Invitae), Labcorp
Classification: Uncertain significance for Distal hereditary motor neuropathy type 2. Last evaluated: 2023-12-13. Review status: criteria provided, single submitter. Criteria: Invitae Variant Classification Sherloc (09022015). Collection method: clinical testing. Allele origin: germline.
Comment: This sequence change replaces threonine, which is neutral and polar, with proline, which is neutral and non-polar, at codon 1056 of the FBXO38 protein (p.Thr1056Pro). This variant is not present in population databases (gnomAD no frequency). This variant has not been reported in the literature in individuals affected with FBXO38-related conditions. ClinVar contains an entry for this variant (Variation ID: 643077). An algorithm developed to predict the effect of missense changes on protein structure and function (PolyPhen-2) suggests that this variant is likely to be disruptive. In summary, the available evidence is currently insufficient to determine the role of this variant in disease. Therefore, it has been classified as a Variant of Uncertain Significance.

NM_205836.3(FBXO38):c.3391A>C (p.Thr1131Pro)

Gene: FBXO38 (F-box protein 38; plus strand). Cytogenetic location: 5q32.
Variant type: single nucleotide variant.
Coding change: c.3391A>C on transcript NM_205836.3 (MANE Select); coding-DNA position 3391, A replaced by C.
Protein change: p.Thr1131Pro; replaces threonine 1131 with proline.
Molecular consequence: missense variant.
Genome position (GRCh38, 1-based): chr5:148,441,971, A>C. VCF-style: chr5-148441971-A-C. GRCh37 (hg19) VCF-style: chr5-147821534-A-C.
Other names: c.2656A>C, p.Thr886Pro (NM_001271723.2); c.3166A>C, p.Thr1056Pro (NM_030793.5); short protein forms T1056P, T1131P, T886P.
Identifiers: ClinVar variation 643077 (VCV000643077.10), dbSNP rs1561551063, ClinGen allele CA361661524.
Genomic context (GRCh38, chr5:148,441,971, plus strand): 5'-ATTTTCCAAATGATTCTGATTATCATATGTATCTCTCCTTTTATTTCTAATTTCAAAGGC[A>C]CTATCTATGCTCCTAGAAGGAAAGGACAGCTGTCTGCAGACATCTGTATGGAAACAATAG-3'
Protein context (NP_995308.1, residues 1121-1141): RYDFEDDEES[Thr1131Pro]IYAPRRKGQL